The following is an entry in ClinVar:

NM_018263.6(ASXL2):c.2837_2841del (p.Ile946fs)

Gene: ASXL2 (ASXL transcriptional regulator 2; minus strand). Cytogenetic location: 2p23.3.
Variant type: Deletion.
Coding change: c.2837_2841del on transcript NM_018263.6 (MANE Select); coding-DNA positions 2837 to 2841, 5 bases deleted (TCCCT; older notation c.2837_2841delTCCCT).
Protein change: p.Ile946fs; shifts the reading frame from isoleucine 946.
Molecular consequence: frameshift variant.
Genome position (GRCh38, 1-based): chr2:25,743,496-25,743,500, AGGGA deleted on the plus strand (TCCCT on the coding strand, the reverse complement: ASXL2 is on the minus strand). VCF-style (leftmost placement, unchanged base first): chr2-25743495-CAGGGA-C. GRCh37 (hg19) VCF-style: chr2-25966364-CAGGGA-C.
Other names: c.2663_2667del, p.Ile888fs (NM_001369346.1); c.2057_2061del, p.Ile686fs (NM_001369347.1); short protein forms I686fs, I946fs, I888fs.
Identifiers: ClinVar variation 3958209 (VCV003958209.1).

ClinVar aggregate classification (germline): Pathogenic (1 of 4 stars; one submission).

Conditions:
Inborn genetic diseases. Identifiers: MedGen C0950123, MeSH D030342.

Submission:

Ambry Genetics
Classification: Pathogenic for Inborn genetic diseases. Last evaluated: 2025-06-13. Review status: criteria provided, single submitter. Criteria: Ambry Variant Classification Scheme 2023. Collection method: clinical testing. Allele origin: germline.
Comment: The c.2837_2841delTCCCT alteration, located in exon 13 (coding exon 13) of the ASXL2 gene, consists of a deletion of 5 nucleotides from position 2837 to 2841, causing a translational frameshift with a predicted alternate stop codon after 2 amino acids. This variant is not expected to trigger nonsense-mediated mRNA decay, and impacts the last 34% of the protein. However, premature stop codons are typically deleterious in nature, the impacted region is critical for protein function, and a significant portion of the protein is affected (Ambry internal data). This variant was not reported in population-based cohorts in the Genome Aggregation Database (gnomAD). Based on the available evidence, this alteration is classified as pathogenic.